The following is an entry in ClinVar:

ClinVar aggregate classification (germline): Conflicting classifications of pathogenicity. Review status: criteria provided, conflicting classifications (1 of 4 stars). 4 submissions from 4 submitters: Uncertain significance (1); Benign (1); Likely benign (1). 1 of the submissions does not count toward it. Last evaluated 2026-01-31.

Conditions:
ABCA4-related disorder. Also called: ABCA4-related condition; ABCA4-related disorders. Identifiers: MedGen CN239167.

Allele frequency attached by ClinVar (database versions not stated): gnomAD 0.00002 and 0.00009; TOPMed 0.00006; gnomAD exomes 0.00009 and 0.00018; ExAC 0.00020; 1000 Genomes Project 30x 0.00047; 1000 Genomes Project 0.00060.
gnomAD v4.1: 137 of 1,610,616 alleles (0.0085%); highest among the groups gnomAD compares: South Asian, 0.12%; 6 homozygotes.

Submissions (4):

Labcorp Genetics (formerly Invitae), Labcorp
Classification: Benign. Last evaluated: 2026-01-31. Review status: criteria provided, single submitter. Criteria: Invitae Variant Classification Sherloc (09022015). Collection method: clinical testing. Allele origin: germline.

Blueprint Genetics
Classification: Likely benign. Last evaluated: 2024-10-18. Review status: criteria provided, single submitter. Criteria: ACMG Guidelines, 2015. Collection method: clinical testing. Allele origin: germline.

Illumina Laboratory Services, Illumina
Classification: Uncertain significance for ABCA4-Related Disorders. Last evaluated: 2018-01-15. Review status: criteria provided, single submitter. Criteria: ICSL Variant Classification Criteria 13 December 2019. Collection method: clinical testing. Allele origin: germline.

PreventionGenetics, part of Exact Sciences
Classification: Likely benign for ABCA4-related condition. Last evaluated: 2020-03-18. Review status: no assertion criteria provided. Collection method: clinical testing. Allele origin: germline. Not counted in ClinVar's aggregate classification.
Comment: This variant is classified as likely benign based on ACMG/AMP sequence variant interpretation guidelines (Richards et al. 2015 PMID: 25741868, with internal and published modifications).

NM_000350.3(ABCA4):c.3867C>T (p.Gly1289=)

Gene: ABCA4 (ATP binding cassette subfamily A member 4; minus strand). Cytogenetic location: 1p22.1.
Variant type: single nucleotide variant.
Coding change: c.3867C>T on transcript NM_000350.3 (MANE Select); coding-DNA position 3867, C replaced by T.
Protein change: p.Gly1289=; no amino-acid change (glycine 1289 retained).
Molecular consequence: synonymous variant.
Genome position (GRCh38, 1-based): chr1:94,032,039, G>A on the plus strand (C>T on the coding strand, the complement: ABCA4 is on the minus strand). VCF-style: chr1-94032039-G-A. GRCh37 (hg19) VCF-style: chr1-94497595-G-A.
Other names: c.3645C>T, p.Gly1215= (NM_001425324.1).
Identifiers: ClinVar variation 875737 (VCV000875737.14), dbSNP rs573418899, ClinGen allele CA957780.
Genomic context (GRCh38, chr1:94,032,039, plus strand): 5'-CTTCTCTCTGGGACCCAAGCAGGGGTGTCGGGGGTTGACGTTTTCTCTTTTCTGCTGAGC[G>A]CCACCTGTTTTGAGAGATTGAATTAATAATTTGGAAAATGCCTATAAGGTCTGGATCTCT-3'
Protein context (NP_000341.2, residues 1279-1299): DSDSGPLFAG[Gly1289=]AQQKRENVNP